The following is an entry in ClinVar:

NM_001330078.2(NRXN1):c.3083T>G (p.Ile1028Arg)

Gene: NRXN1 (neurexin 1; minus strand). Cytogenetic location: 2p16.3.
Variant type: single nucleotide variant.
Coding change: c.3083T>G on transcript NM_001330078.2 (MANE Select); coding-DNA position 3083, T replaced by G.
Protein change: p.Ile1028Arg; replaces isoleucine 1028 with arginine.
Molecular consequence: missense variant.
Genome position (GRCh38, 1-based): chr2:50,472,459, A>C on the plus strand (T>G on the coding strand, the complement: NRXN1 is on the minus strand). VCF-style: chr2-50472459-A-C. GRCh37 (hg19) VCF-style: chr2-50699597-A-C.
Other names: c.3203T>G, p.Ile1068Arg (NM_001135659.3); c.3059T>G, p.Ile1020Arg (NM_001330077.2, NM_001330082.2); c.3017T>G, p.Ile1006Arg (NM_001330083.2, NM_001330084.2); c.3056T>G, p.Ile1019Arg (NM_001330085.2); c.3083T>G, p.Ile1028Arg (NM_001330086.2, NM_004801.6); c.2972T>G, p.Ile991Arg (NM_001330087.2, NM_001330096.2); c.3002T>G, p.Ile1001Arg (NM_001330088.2); c.3080T>G, p.Ile1027Arg (NM_001330093.2); and 2 more; short protein forms I1068R, I1001R, I1019R, I991R, I1011R, I1024R, I1027R, I1006R.
Identifiers: ClinVar variation 4726619 (VCV004726619.1).

ClinVar aggregate classification (germline): Uncertain significance (1 of 4 stars; one submission).

Conditions:
Pitt-Hopkins-like syndrome 2 (PTHSL2). Identifiers: Orphanet 221150, Orphanet 600663, MedGen C3280479, MONDO:0013690, OMIM 614325.

Submission:

Labcorp Genetics (formerly Invitae), Labcorp
Classification: Uncertain significance for Pitt-Hopkins-like syndrome 2. Last evaluated: 2025-10-06. Review status: criteria provided, single submitter. Criteria: Invitae Variant Classification Sherloc (09022015). Collection method: clinical testing. Allele origin: germline.
Comment: This sequence change replaces isoleucine, which is neutral and non-polar, with arginine, which is basic and polar, at codon 1068 of the NRXN1 protein (p.Ile1068Arg). This variant is not present in population databases (gnomAD no frequency). This variant has not been reported in the literature in individuals affected with NRXN1-related conditions. An algorithm developed to predict the effect of missense changes on protein structure and function (PolyPhen-2) suggests that this variant is likely to be disruptive. In summary, the available evidence is currently insufficient to determine the role of this variant in disease. Therefore, it has been classified as a Variant of Uncertain Significance.